The following is an entry in ClinVar:

NM_001367624.2(ZNF469):c.4927G>A (p.Ala1643Thr)

Gene: ZNF469 (zinc finger protein 469; plus strand). Cytogenetic location: 16q24.2.
Variant type: single nucleotide variant.
Coding change: c.4927G>A on transcript NM_001367624.2 (MANE Select); coding-DNA position 4927, G replaced by A.
Protein change: p.Ala1643Thr; replaces alanine 1643 with threonine.
Molecular consequence: missense variant.
Genome position (GRCh38, 1-based): chr16:88,432,397, G>A. VCF-style: chr16-88432397-G-A. GRCh37 (hg19) VCF-style: chr16-88498805-G-A.
Other names: NM_001127464.1:c.4843G>A; short protein forms A1643T.
Identifiers: ClinVar variation 3258206 (VCV003258206.1).

ClinVar aggregate classification (germline): Uncertain significance (1 of 4 stars; one submission).

Conditions:
Cardiovascular phenotype. Identifiers: MedGen CN230736.

gnomAD v4.1: 3 of 1,549,634 alleles (0.00019%); highest among the groups gnomAD compares: Non-Finnish European, 0.00026%; no homozygotes.

Submission:

Ambry Genetics
Classification: Uncertain significance for Cardiovascular phenotype. Last evaluated: 2024-03-15. Review status: criteria provided, single submitter. Criteria: Ambry Variant Classification Scheme 2023. Collection method: clinical testing. Allele origin: germline.
Comment: The p.A1615T variant (also known as c.4843G>A), located in coding exon 2 of the ZNF469 gene, results from a G to A substitution at nucleotide position 4843. The alanine at codon 1615 is replaced by threonine, an amino acid with similar properties. This amino acid position is conserved. In addition, this alteration is predicted to be tolerated by in silico analysis. Based on the available evidence, the clinical significance of this alteration remains unclear.